The following is an entry in ClinVar:

NM_001277313.2(FMN1):c.369C>T (p.Ser123=)

Gene: FMN1 (formin 1; minus strand). Cytogenetic location: 15q13.3.
Variant type: single nucleotide variant.
Coding change: c.369C>T on transcript NM_001277313.2 (MANE Select); coding-DNA position 369, C replaced by T.
Protein change: p.Ser123=; no amino-acid change (serine 123 retained).
Molecular consequence: synonymous variant.
Genome position (GRCh38, 1-based): chr15:33,154,546, G>A on the plus strand (C>T on the coding strand, the complement: FMN1 is on the minus strand). VCF-style: chr15-33154546-G-A. GRCh37 (hg19) VCF-style: chr15-33446747-G-A.
Other names: c.369C>T, p.Ser123= (NM_001277314.2).
Identifiers: ClinVar variation 4708893 (VCV004708893.1).

ClinVar aggregate classification (germline): Uncertain significance (1 of 4 stars; one submission).

gnomAD v4.1: 15 of 1,535,938 alleles (0.00098%); highest among the groups gnomAD compares: East Asian, 0.0024%; no homozygotes.

Submission:

Labcorp Genetics (formerly Invitae), Labcorp
Classification: Uncertain significance. Last evaluated: 2025-04-15. Review status: criteria provided, single submitter. Criteria: Invitae Variant Classification Sherloc (09022015). Collection method: clinical testing. Allele origin: germline.
Comment: The FMN1 gene has multiple clinically relevant transcripts. This variant occurs in alternate transcript NM_001277314.1, and corresponds to NM_001103184.3:c.-85948C>T in the primary transcript. This sequence change affects codon 122 of the FMN1 mRNA. It is a 'silent' change, meaning that it does not change the encoded amino acid sequence of the FMN1 protein. This variant is present in population databases (no rsID available, gnomAD 0.007%). This variant has not been reported in the literature in individuals affected with FMN1-related conditions. Experimental studies and prediction algorithms are not available or were not evaluated, and the effect of this variant on mRNA splicing is currently unknown. In summary, the available evidence is currently insufficient to determine the role of this variant in disease. Therefore, it has been classified as a Variant of Uncertain Significance.